The following is an entry in ClinVar:

ClinVar aggregate classification (germline): Uncertain significance. Review status: criteria provided, multiple submitters, no conflicts (2 of 4 stars). 3 submissions from 3 submitters: Uncertain significance (3). Last evaluated 2024-06-14.

Conditions:
Cardiovascular phenotype. Identifiers: MedGen CN230736.
Catecholaminergic polymorphic ventricular tachycardia 1. Also called: VENTRICULAR TACHYCARDIA, CATECHOLAMINERGIC POLYMORPHIC, 1, WITH OR WITHOUT ATRIAL DYSFUNCTION AND/OR DILATED CARDIOMYOPATHY; RYR2-Related Catecholaminergic Polymorphic Ventricular Tachycardia; VENTRICULAR TACHYCARDIA, STRESS-INDUCED POLYMORPHIC 1. Identifiers: Orphanet 3286, MedGen C1631597, MONDO:0011484, OMIM 604772.

Allele frequency attached by ClinVar (database versions not stated): gnomAD exomes below 0.00001; TOPMed 0.00001.
gnomAD v4.1: 3 of 1,572,304 alleles (0.00019%); highest among the groups gnomAD compares: Admixed American, 0.0018%; no homozygotes.

Submissions (3):

Ambry Genetics
Classification: Uncertain significance for Cardiovascular phenotype. Last evaluated: 2024-06-14. Review status: criteria provided, single submitter. Criteria: Ambry Variant Classification Scheme 2023. Collection method: clinical testing. Allele origin: germline.
Comment: The p.R3604W variant (also known as c.10810C>T), located in coding exon 76 of the RYR2 gene, results from a C to T substitution at nucleotide position 10810. The arginine at codon 3604 is replaced by tryptophan, an amino acid with dissimilar properties. This amino acid position is highly conserved in available vertebrate species. In addition, this alteration is predicted to be deleterious by in silico analysis. Based on the available evidence, the clinical significance of this variant remains unclear.

Blueprint Genetics
Classification: Uncertain significance. Last evaluated: 2024-03-01. Review status: criteria provided, single submitter. Criteria: ACMG Guidelines, 2015. Collection method: clinical testing. Allele origin: germline.

Labcorp Genetics (formerly Invitae), Labcorp
Classification: Uncertain significance for Catecholaminergic polymorphic ventricular tachycardia 1. Last evaluated: 2022-03-10. Review status: criteria provided, single submitter. Criteria: Invitae Variant Classification Sherloc (09022015). Collection method: clinical testing. Allele origin: germline.
Comment: In summary, the available evidence is currently insufficient to determine the role of this variant in disease. Therefore, it has been classified as a Variant of Uncertain Significance. Algorithms developed to predict the effect of sequence changes on RNA splicing suggest that this variant may disrupt the consensus splice site. Advanced modeling of protein sequence and biophysical properties (such as structural, functional, and spatial information, amino acid conservation, physicochemical variation, residue mobility, and thermodynamic stability) performed at Invitae indicates that this missense variant is expected to disrupt RYR2 protein function. This variant has not been reported in the literature in individuals affected with RYR2-related conditions. The frequency data for this variant in the population databases is considered unreliable, as metrics indicate poor data quality at this position in the gnomAD database. This sequence change replaces arginine, which is basic and polar, with tryptophan, which is neutral and slightly polar, at codon 3604 of the RYR2 protein (p.Arg3604Trp).

NM_001035.3(RYR2):c.10810C>T (p.Arg3604Trp)

Gene: RYR2 (ryanodine receptor 2; plus strand). Cytogenetic location: 1q43.
Variant type: single nucleotide variant.
Coding change: c.10810C>T on transcript NM_001035.3 (MANE Select); coding-DNA position 10810, C replaced by T.
Protein change: p.Arg3604Trp; replaces arginine 3604 with tryptophan.
Molecular consequence: missense variant.
Genome position (GRCh38, 1-based): chr1:237,727,171, C>T. VCF-style: chr1-237727171-C-T. GRCh37 (hg19) VCF-style: chr1-237890471-C-T.
Other names: c.10810C>T (NM_001035.2); short protein forms R3604W.
Identifiers: ClinVar variation 2418065 (VCV002418065.8), dbSNP rs1270634022, ClinGen allele CA064491.